The following is an entry in ClinVar:

NM_004304.5(ALK):c.1504C>A (p.Gln502Lys)

Gene: ALK (ALK receptor tyrosine kinase; minus strand). Cytogenetic location: 2p23.2.
Variant type: single nucleotide variant.
Coding change: c.1504C>A on transcript NM_004304.5 (MANE Select); coding-DNA position 1504, C replaced by A.
Protein change: p.Gln502Lys; replaces glutamine 502 with lysine.
Molecular consequence: missense variant.
Genome position (GRCh38, 1-based): chr2:29,320,793, G>T on the plus strand (C>A on the coding strand, the complement: ALK is on the minus strand). VCF-style: chr2-29320793-G-T. GRCh37 (hg19) VCF-style: chr2-29543659-G-T.
Other names: c.1504C>A (NM_004304.4); short protein forms Q502K.
Identifiers: ClinVar variation 2799606 (VCV002799606.4), dbSNP rs2148250921, ClinGen allele CA346472334.

ClinVar aggregate classification (germline): Uncertain significance. Review status: criteria provided, multiple submitters, no conflicts (2 of 4 stars). 2 submissions from 2 submitters: Uncertain significance (2). Last evaluated 2025-06-16.

Conditions:
Neuroblastoma, susceptibility to, 3. Also called: ALK-Related Neuroblastic Tumor Susceptibility. Identifiers: Orphanet 635, MedGen C2751681, MONDO:0013083, OMIM 613014.
Hereditary cancer-predisposing syndrome. Also called: Hereditary neoplastic syndrome; Neoplastic Syndromes, Hereditary; Tumor predisposition; Hereditary Cancer Syndrome. Identifiers: Orphanet 140162, MedGen C0027672, MeSH D009386, MONDO:0015356.

Submissions (2):

Ambry Genetics
Classification: Uncertain significance for Hereditary cancer-predisposing syndrome. Last evaluated: 2025-06-16. Review status: criteria provided, single submitter. Criteria: Ambry Variant Classification Scheme 2023. Collection method: clinical testing. Allele origin: germline.
Comment: The p.Q502K variant (also known as c.1504C>A), located in coding exon 7 of the ALK gene, results from a C to A substitution at nucleotide position 1504. The glutamine at codon 502 is replaced by lysine, an amino acid with similar properties. This amino acid position is conserved. In addition, this alteration is predicted to be tolerated by in silico analysis. Based on the available evidence, the clinical significance of this variant remains unclear.

Labcorp Genetics (formerly Invitae), Labcorp
Classification: Uncertain significance for Neuroblastoma, susceptibility to, 3. Last evaluated: 2023-09-08. Review status: criteria provided, single submitter. Criteria: Invitae Variant Classification Sherloc (09022015). Collection method: clinical testing. Allele origin: germline.
Comment: An algorithm developed to predict the effect of missense changes on protein structure and function (PolyPhen-2) suggests that this variant is likely to be tolerated. This sequence change replaces glutamine, which is neutral and polar, with lysine, which is basic and polar, at codon 502 of the ALK protein (p.Gln502Lys). This variant is not present in population databases (gnomAD no frequency). This variant has not been reported in the literature in individuals affected with ALK-related conditions. In summary, the available evidence is currently insufficient to determine the role of this variant in disease. Therefore, it has been classified as a Variant of Uncertain Significance.